The following is an entry in ClinVar:

ClinVar aggregate classification (germline): Uncertain significance. Review status: criteria provided, multiple submitters, no conflicts (2 of 4 stars). 2 submissions from 2 submitters: Uncertain significance (2). Last evaluated 2024-10-08.

Conditions:
Neurofibromatosis, type 1 (NF1). Also called: Peripheral type neurofibromatosis; NEUROFIBROMATOSIS, TYPE I, SOMATIC; Neurofibromatosis, type I; VON RECKLINGHAUSEN DISEASE. Identifiers: Orphanet 636, MedGen C0027831, MONDO:0018975, OMIM 162200. Disease mechanism: loss of function.

Allele frequency attached by ClinVar (database versions not stated): gnomAD exomes below 0.00001.
gnomAD v4.1: 1 of 1,614,152 alleles (0.000062%); highest among the groups gnomAD compares: Non-Finnish European, 0.000085%; no homozygotes.

Submissions (2):

GeneDx
Classification: Uncertain significance. Last evaluated: 2024-10-08. Review status: criteria provided, single submitter. Criteria: GeneDx Variant Classification Process June 2021. Collection method: clinical testing. Allele origin: germline. Affected: yes.
Comment: Not observed at significant frequency in large population cohorts (gnomAD); In silico analysis supports that this missense variant has a deleterious effect on protein structure/function; Has not been previously published as pathogenic or benign to our knowledge

Labcorp Genetics (formerly Invitae), Labcorp
Classification: Uncertain significance for Neurofibromatosis, type 1. Last evaluated: 2022-09-30. Review status: criteria provided, single submitter. Criteria: Invitae Variant Classification Sherloc (09022015). Collection method: clinical testing. Allele origin: germline.
Comment: In summary, the available evidence is currently insufficient to determine the role of this variant in disease. Therefore, it has been classified as a Variant of Uncertain Significance. Advanced modeling of protein sequence and biophysical properties (such as structural, functional, and spatial information, amino acid conservation, physicochemical variation, residue mobility, and thermodynamic stability) performed at Invitae indicates that this missense variant is expected to disrupt NF1 protein function. This variant has not been reported in the literature in individuals affected with NF1-related conditions. This variant is not present in population databases (gnomAD no frequency). This sequence change replaces tyrosine, which is neutral and polar, with cysteine, which is neutral and slightly polar, at codon 1618 of the NF1 protein (p.Tyr1618Cys).

NM_001042492.3(NF1):c.4916A>G (p.Tyr1639Cys)

Gene: NF1 (neurofibromin 1; plus strand). Cytogenetic location: 17q11.2.
Variant type: single nucleotide variant.
Coding change: c.4916A>G on transcript NM_001042492.3 (MANE Select); coding-DNA position 4916, A replaced by G.
Protein change: p.Tyr1639Cys; replaces tyrosine 1639 with cysteine.
Molecular consequence: missense variant.
Genome position (GRCh38, 1-based): chr17:31,325,900, A>G. VCF-style: chr17-31325900-A-G. GRCh37 (hg19) VCF-style: chr17-29652918-A-G.
Other names: c.4853A>G, p.Tyr1618Cys (NM_000267.4); short protein forms Y1618C, Y1639C.
Identifiers: ClinVar variation 2123524 (VCV002123524.3), dbSNP rs2151537745, ClinGen allele CA399007102.